The following is an entry in ClinVar:

NM_000179.3(MSH6):c.2337T>G (p.Cys779Trp)

Gene: MSH6 (mutS homolog 6; plus strand). Cytogenetic location: 2p16.3.
Variant type: single nucleotide variant.
Coding change: c.2337T>G on transcript NM_000179.3 (MANE Select); coding-DNA position 2337, T replaced by G.
Protein change: p.Cys779Trp; replaces cysteine 779 with tryptophan.
Molecular consequence: missense variant.
Genome position (GRCh38, 1-based): chr2:47,800,320, T>G. VCF-style: chr2-47800320-T-G. GRCh37 (hg19) VCF-style: chr2-48027459-T-G.
Other names: c.1947T>G, p.Cys649Trp (NM_001281492.2); c.1431T>G, p.Cys477Trp (NM_001281493.2, NM_001281494.2); short protein forms C779W, C649W, C477W.
Identifiers: ClinVar variation 479965 (VCV000479965.13), dbSNP rs1553413707, ClinGen allele CA346753409.
Genomic context (GRCh38, chr2:47,800,320, plus strand): 5'-AGAGAGGGTTGATACTTGCCATACTCCTTTTGGTAAGCGGCTCCTAAAGCAATGGCTTTG[T>G]GCCCCACTCTGTAACCATTATGCTATTAATGATCGTCTAGATGCCATAGAAGACCTCATG-3'
Protein context (NP_000170.1, residues 769-789): FGKRLLKQWL[Cys779Trp]APLCNHYAIN

ClinVar aggregate classification (germline): Uncertain significance. Review status: criteria provided, multiple submitters, no conflicts (2 of 4 stars). 2 submissions from 2 submitters: Uncertain significance (2). Last evaluated 2024-03-20.

Conditions:
Hereditary nonpolyposis colorectal neoplasms. Identifiers: MedGen C0009405, MeSH D003123.
Hereditary cancer-predisposing syndrome. Also called: Hereditary Cancer Syndrome; Neoplastic Syndromes, Hereditary; Tumor predisposition; Hereditary neoplastic syndrome. Identifiers: Orphanet 140162, MedGen C0027672, MeSH D009386, MONDO:0015356.

gnomAD v4.1: 1 of 1,614,170 alleles (0.000062%); highest among the groups gnomAD compares: African/African-American, 0.0013%; no homozygotes.

Submissions (2):

Ambry Genetics
Classification: Uncertain significance for Hereditary cancer-predisposing syndrome. Last evaluated: 2024-03-20. Review status: criteria provided, single submitter. Criteria: Ambry Variant Classification Scheme 2023. Collection method: clinical testing. Allele origin: germline.
Comment: The p.C779W variant (also known as c.2337T>G), located in coding exon 4 of the MSH6 gene, results from a T to G substitution at nucleotide position 2337. The cysteine at codon 779 is replaced by tryptophan, an amino acid with highly dissimilar properties. This amino acid position is highly conserved in available vertebrate species. In addition, this alteration is predicted to be deleterious by in silico analysis. Based on the available evidence, the clinical significance of this alteration remains unclear.

Labcorp Genetics (formerly Invitae), Labcorp
Classification: Uncertain significance for Hereditary nonpolyposis colorectal neoplasms. Last evaluated: 2023-07-19. Review status: criteria provided, single submitter. Criteria: Invitae Variant Classification Sherloc (09022015). Collection method: clinical testing. Allele origin: germline.
Comment: This sequence change replaces cysteine, which is neutral and slightly polar, with tryptophan, which is neutral and slightly polar, at codon 779 of the MSH6 protein (p.Cys779Trp). This variant is not present in population databases (gnomAD no frequency). This variant has not been reported in the literature in individuals affected with MSH6-related conditions. ClinVar contains an entry for this variant (Variation ID: 479965). Advanced modeling of protein sequence and biophysical properties (such as structural, functional, and spatial information, amino acid conservation, physicochemical variation, residue mobility, and thermodynamic stability) has been performed at Invitae for this missense variant, however the output from this modeling did not meet the statistical confidence thresholds required to predict the impact of this variant on MSH6 protein function. In summary, the available evidence is currently insufficient to determine the role of this variant in disease. Therefore, it has been classified as a Variant of Uncertain Significance.